The following is an entry in ClinVar:

ClinVar aggregate classification (germline): Uncertain significance (1 of 4 stars; one submission).

Allele frequency attached by ClinVar (database versions not stated): gnomAD exomes below 0.00001.
gnomAD v4.1: 1 of 1,210,068 alleles (0.000083%); highest among the groups gnomAD compares: Non-Finnish European, 0.00011%; no homozygotes.

Submission:

CeGaT Center for Human Genetics Tuebingen
Classification: Uncertain significance. Last evaluated: 2023-10-01. Review status: criteria provided, single submitter. Criteria: CeGaT Center For Human Genetics Tuebingen Variant Classification Criteria Version 2. Collection method: clinical testing. Allele origin: germline. Affected: yes. Observed: 1 variant allele.
Comment: BRWD3: PM2

NM_153252.5(BRWD3):c.1586C>T (p.Ala529Val)

Gene: BRWD3 (bromodomain and WD repeat domain containing 3; minus strand). Cytogenetic location: Xq21.1.
Variant type: single nucleotide variant.
Coding change: c.1586C>T on transcript NM_153252.5 (MANE Select); coding-DNA position 1586, C replaced by T.
Protein change: p.Ala529Val; replaces alanine 529 with valine.
Molecular consequence: missense variant.
Genome position (GRCh38, 1-based): chrX:80,723,812, G>A on the plus strand (C>T on the coding strand, the complement: BRWD3 is on the minus strand). VCF-style: chrX-80723812-G-A. GRCh37 (hg19) VCF-style: chrX-79979311-G-A.
Other names: short protein forms A529V.
Identifiers: ClinVar variation 2660987 (VCV002660987.24), dbSNP rs2520329425, ClinGen allele CA413634835.